The following is an entry in ClinVar:

NM_006254.4(PRKCD):c.961G>A (p.Gly321Arg)

Gene: PRKCD (protein kinase C delta; plus strand). Cytogenetic location: 3p21.1.
Variant type: single nucleotide variant.
Coding change: c.961G>A on transcript NM_006254.4 (MANE Select); coding-DNA position 961, G replaced by A.
Protein change: p.Gly321Arg; replaces glycine 321 with arginine.
Molecular consequence: missense variant.
Genome position (GRCh38, 1-based): chr3:53,185,676, G>A. VCF-style: chr3-53185676-G-A. GRCh37 (hg19) VCF-style: chr3-53219692-G-A.
Other names: c.961G>A, p.Gly321Arg (LRG_1327t1, NM_001316327.2, NM_001354679.2 and 2 more transcripts); c.1018G>A, p.Gly340Arg (NM_001354676.2); c.1009G>A, p.Gly337Arg (NM_001354678.2); short protein forms G321R, G337R, G340R.
Identifiers: ClinVar variation 642708 (VCV000642708.6), dbSNP rs372047510, ClinGen allele CA2452024.

ClinVar aggregate classification (germline): Uncertain significance (1 of 4 stars; one submission).

Conditions:
Autoimmune lymphoproliferative syndrome, type III caused by mutation in PRKCD. Identifiers: Orphanet 3261, Orphanet 664711, MedGen C3809928, MONDO:8000024, OMIM 615559.

Allele frequency attached by ClinVar (database versions not stated): ExAC 0.00002; gnomAD 0.00006 and 0.00005; TOPMed 0.00004; gnomAD exomes 0.00002; ESP Exome Variant Server 0.00008.
gnomAD v4.1: 45 of 1,612,304 alleles (0.0028%); highest among the groups gnomAD compares: South Asian, 0.0088%; no homozygotes.

Submission:

Labcorp Genetics (formerly Invitae), Labcorp
Classification: Uncertain significance for Autoimmune lymphoproliferative syndrome, type III caused by mutation in PRKCD. Last evaluated: 2024-08-31. Review status: criteria provided, single submitter. Criteria: Invitae Variant Classification Sherloc (09022015). Collection method: clinical testing. Allele origin: germline.
Comment: This sequence change replaces glycine, which is neutral and non-polar, with arginine, which is basic and polar, at codon 321 of the PRKCD protein (p.Gly321Arg). This variant is present in population databases (rs372047510, gnomAD 0.004%). This variant has not been reported in the literature in individuals affected with PRKCD-related conditions. ClinVar contains an entry for this variant (Variation ID: 642708). An algorithm developed to predict the effect of missense changes on protein structure and function (PolyPhen-2) suggests that this variant¬†is likely to be tolerated. In summary, the available evidence is currently insufficient to determine the role of this variant in disease. Therefore, it has been classified as a Variant of Uncertain Significance.